The following is an entry in ClinVar:

ClinVar aggregate classification (germline): Likely pathogenic (1 of 4 stars; one submission).

Conditions:
TRIM32-related disorder. Also called: TRIM32-related condition.

Submission:

PreventionGenetics, part of Exact Sciences
Classification: Likely pathogenic for TRIM32-related condition. Last evaluated: 2026-03-04. Review status: criteria provided, single submitter. Criteria: ACMG Guidelines, 2015. Collection method: clinical testing. Allele origin: germline.
Comment: The TRIM32 c.1320dupG variant is predicted to result in a frameshift and premature protein termination (p.Leu441Alafs*6). To our knowledge, this variant has not been reported in the literature or in a large population database (gnomAD), indicating this variant is rare. Frameshift variants in TRIM32 are expected to be pathogenic. This variant is interpreted as likely pathogenic.

NM_012210.4(TRIM32):c.1320dup (p.Leu441fs)

Genes: ASTN2 (astrotactin 2; minus strand), TRIM32 (tripartite motif containing 32; plus strand). Cytogenetic location: 9q33.1.
Variant type: Duplication.
Coding change: c.1320dup on transcript NM_012210.4 (MANE Select); coding-DNA position 1320, one base duplicated (G; older notation c.1320dupG).
Protein change: p.Leu441fs; shifts the reading frame from leucine 441.
Molecular consequence: frameshift variant. On other transcripts: intron variant (3).
Genome position (GRCh38, 1-based): chr9:116,699,062, G duplicated; the last of 4 consecutive G bases (chr9:116,699,059-116,699,062); duplicating any one gives the same sequence. VCF-style (leftmost placement, unchanged base first): chr9-116699058-A-AG. GRCh37 (hg19) VCF-style: chr9-119461337-A-AG.
Other names: c.1320dup, p.Leu441fs (NM_001099679.2, NM_001379048.1, NM_001379049.1 and 1 more transcripts); c.2653+26712dup (NM_014010.5); c.2794+26712dup (NM_001365069.1); c.2806+26712dup (NM_001365068.1); c.1320dupG (NM_012210.3); short protein forms L441fs.
Identifiers: ClinVar variation 4991465 (VCV004991465.1).
Genomic context (GRCh38, chr9:116,699,058, plus strand): 5'-TAAGCTTCCTTGGGGCAGATCTACCCAACCTCACTCCTCTCTCAGTGGCAATGAACTGCC[A>AG]GGGGCTGATTGGTGTGACTGACAGCTATGATAACTCCCTCAAGGTATATACCTTGGATGG-3'